The following is an entry in ClinVar:

ClinVar aggregate classification (germline): Uncertain significance. Review status: criteria provided, single submitter (1 of 4 stars). 2 submissions from 2 submitters: Uncertain significance (1). 1 of the submissions does not count toward it. Last evaluated 2024-01-04.

Conditions:
Glycogen storage disease, type II (IOPD). Also called: Glucosidase acid-1,4-alpha deficiency; CARDIOMEGALIA GLYCOGENICA DIFFUSA; GLYCOGENOSIS, GENERALIZED, CARDIAC FORM; GSD II; POMPE DISEASE, INFANTILE-ONSET; GLYCOGEN STORAGE DISEASE II, INFANTILE-ONSET. Identifiers: Orphanet 365, MedGen C0017921, MONDO:0009290, OMIM 232300.

Allele frequency attached by ClinVar (database versions not stated): gnomAD 0.00001; TOPMed 0.00001.
gnomAD v4.1: 3 of 1,610,792 alleles (0.00019%); highest among the groups gnomAD compares: Admixed American, 0.0033%; no homozygotes.

Submissions (2):

Labcorp Genetics (formerly Invitae), Labcorp
Classification: Uncertain significance for Glycogen storage disease, type II. Last evaluated: 2024-01-04. Review status: criteria provided, single submitter. Criteria: Invitae Variant Classification Sherloc (09022015). Collection method: clinical testing. Allele origin: germline.
Comment: This sequence change replaces alanine, which is neutral and non-polar, with valine, which is neutral and non-polar, at codon 820 of the GAA protein (p.Ala820Val). This variant is not present in population databases (gnomAD no frequency). This variant has not been reported in the literature in individuals affected with GAA-related conditions. ClinVar contains an entry for this variant (Variation ID: 188485). Advanced modeling of protein sequence and biophysical properties (such as structural, functional, and spatial information, amino acid conservation, physicochemical variation, residue mobility, and thermodynamic stability) has been performed at Invitae for this missense variant, however the output from this modeling did not meet the statistical confidence thresholds required to predict the impact of this variant on GAA protein function. In summary, the available evidence is currently insufficient to determine the role of this variant in disease. Therefore, it has been classified as a Variant of Uncertain Significance.

Natera, Inc.
Classification: Uncertain significance for Glycogen storage disease type II. Last evaluated: 2020-08-12. Review status: no assertion criteria provided. Collection method: clinical testing. Allele origin: germline. Not counted in ClinVar's aggregate classification.

NM_000152.5(GAA):c.2459C>T (p.Ala820Val)

Gene: GAA (alpha glucosidase; plus strand). Cytogenetic location: 17q25.3.
Variant type: single nucleotide variant.
Coding change: c.2459C>T on transcript NM_000152.5 (MANE Select); coding-DNA position 2459, C replaced by T.
Protein change: p.Ala820Val; replaces alanine 820 with valine.
Molecular consequence: missense variant.
Genome position (GRCh38, 1-based): chr17:80,117,727, C>T. VCF-style: chr17-80117727-C-T. GRCh37 (hg19) VCF-style: chr17-78091526-C-T.
Other names: c.2459C>T, p.Ala820Val (NM_001079803.3, NM_001079804.3); short protein forms A820V.
Identifiers: ClinVar variation 188485 (VCV000188485.9), dbSNP rs786204304, ClinGen allele CA198799.
Genomic context (GRCh38, chr17:80,117,727, plus strand): 5'-GCGAGGGGCAGTGGGTGACGCTGCCGGCCCCCCTGGACACCATCAACGTCCACCTCCGGG[C>T]TGGGTACATCATCCCCCTGCAGGTACCTGGGCCAGGCGGCTATGGTGGGGGTGTGGACAG-3'
Protein context (NP_000143.2, residues 810-830): PLDTINVHLR[Ala820Val]GYIIPLQGPG